The following is an entry in ClinVar:

NM_001040142.2(SCN2A):c.4614G>A (p.Met1538Ile)

Gene: SCN2A (sodium voltage-gated channel alpha subunit 2; plus strand). Cytogenetic location: 2q24.3.
Variant type: single nucleotide variant.
Coding change: c.4614G>A on transcript NM_001040142.2 (MANE Select); coding-DNA position 4614, G replaced by A.
Protein change: p.Met1538Ile; replaces methionine 1538 with isoleucine.
Molecular consequence: missense variant.
Genome position (GRCh38, 1-based): chr2:165,386,808, G>A. VCF-style: chr2-165386808-G-A. GRCh37 (hg19) VCF-style: chr2-166243318-G-A.
Other names: c.4614G>A, p.Met1538Ile (NM_001040143.2, NM_001371246.1, NM_001371247.1 and 1 more transcripts); short protein forms M1538I.
Identifiers: ClinVar variation 1017077 (VCV001017077.9), dbSNP rs1553463042, ClinGen allele CA349036289.
Genomic context (GRCh38, chr2:165,386,808, plus strand): 5'-CAAATTCCAAGGAATGGTCTTTGATTTTGTAACCAAACAAGTCTTTGATATCAGCATCAT[G>A]ATCCTCATCTGCCTTAACATGGTCACCATGATGGTGGAAACCGATGACCAGAGTCAAGAA-3'
Protein context (NP_001035232.1, residues 1528-1548): VTKQVFDISI[Met1538Ile]ILICLNMVTM

ClinVar aggregate classification (germline): Uncertain significance (1 of 4 stars; one submission).

Conditions:
Seizures, benign familial infantile, 3 (BFIS3). Also called: Familial neonatal seizures; CONVULSIONS, BENIGN FAMILIAL INFANTILE, 3. Identifiers: Orphanet 140927, Orphanet 306, MedGen C1843140, MONDO:0011904, OMIM 607745.
Developmental and epileptic encephalopathy, 11 (DEE11). Also called: Early infantile epileptic encephalopathy 11. Identifiers: Orphanet 1934, MedGen C3150987, MONDO:0013388, OMIM 613721.

Submission:

Labcorp Genetics (formerly Invitae), Labcorp
Classification: Uncertain significance for Seizures, benign familial infantile, 3; Developmental and epileptic encephalopathy, 11. Last evaluated: 2020-09-16. Review status: criteria provided, single submitter. Criteria: Invitae Variant Classification Sherloc (09022015). Collection method: clinical testing. Allele origin: germline.
Comment: In summary, the available evidence is currently insufficient to determine the role of this variant in disease. Therefore, it has been classified as a Variant of Uncertain Significance. Algorithms developed to predict the effect of missense changes on protein structure and function are either unavailable or do not agree on the potential impact of this missense change (SIFT: "Deleterious"; PolyPhen-2: "Benign"; Align-GVGD: "Class C0"). This variant has not been reported in the literature in individuals with SCN2A-related conditions. This variant is not present in population databases (ExAC no frequency). This sequence change replaces methionine with isoleucine at codon 1538 of the SCN2A protein (p.Met1538Ile). The methionine residue is highly conserved and there is a small physicochemical difference between methionine and isoleucine.